The following is an entry in ClinVar:

NM_033380.3(COL4A5):c.2501G>T (p.Gly834Val)

Gene: COL4A5 (collagen type IV alpha 5 chain; plus strand). Cytogenetic location: Xq22.3.
Variant type: single nucleotide variant.
Coding change: c.2501G>T on transcript NM_033380.3 (MANE Select); coding-DNA position 2501, G replaced by T.
Protein change: p.Gly834Val; replaces glycine 834 with valine.
Molecular consequence: missense variant.
Genome position (GRCh38, 1-based): chrX:108,615,016, G>T. VCF-style: chrX-108615016-G-T. GRCh37 (hg19) VCF-style: chrX-107858246-G-T.
Other names: c.2501G>T, p.Gly834Val (NM_000495.5); short protein forms G834V.
Identifiers: ClinVar variation 1424204 (VCV001424204.8), dbSNP rs2147850123, ClinGen allele CA413850235.

ClinVar aggregate classification (germline): Pathogenic/Likely pathogenic. Review status: criteria provided, multiple submitters, no conflicts (2 of 4 stars). 3 submissions from 3 submitters: Pathogenic (2); Likely pathogenic (1). Last evaluated 2022-10-19.

Conditions:
X-linked Alport syndrome (ATS1). Also called: NEPHROPATHY AND DEAFNESS, X-LINKED; COL4A5-Related Nephropathy. Identifiers: Orphanet 63, Orphanet 88917, MedGen C4746986, MONDO:0010520, OMIM 301050.
COL4A5-related disorders.

Submissions (3):

Blueprint Genetics
Classification: Likely pathogenic for COL4A5-related disorders. Last evaluated: 2022-10-19. Review status: criteria provided, single submitter. Criteria: ACMG Guidelines, 2015. Collection method: clinical testing. Allele origin: germline. Affected: yes. Observed: 2 variant alleles.

Labcorp Genetics (formerly Invitae), Labcorp
Classification: Pathogenic. Last evaluated: 2022-06-27. Review status: criteria provided, single submitter. Criteria: Invitae Variant Classification Sherloc (09022015). Collection method: clinical testing. Allele origin: germline.
Comment: This variant disrupts the triple helix domain of COL4A5. Glycine residues within the Gly-Xaa-Yaa repeats of the triple helix domain are required for the structure and stability of fibrillar collagens (PMID: 7695699, 8218237, 19344236). In COL4A5, missense variants at these glycine residues are significantly enriched in individuals with disease (PMID: 23720012, 27627812) compared to the general population (ExAC). For these reasons, this variant has been classified as Pathogenic. Advanced modeling of protein sequence and biophysical properties (such as structural, functional, and spatial information, amino acid conservation, physicochemical variation, residue mobility, and thermodynamic stability) performed at Invitae indicates that this missense variant is expected to disrupt COL4A5 protein function. This missense change has been observed in individual(s) with Alport syndrome (Invitae). It has also been observed to segregate with disease in related individuals. This variant is not present in population databases (gnomAD no frequency). This sequence change replaces glycine, which is neutral and non-polar, with valine, which is neutral and non-polar, at codon 834 of the COL4A5 protein (p.Gly834Val).

Fulgent Genetics
Classification: Pathogenic for X-linked Alport syndrome. Last evaluated: 2021-08-18. Review status: criteria provided, single submitter. Criteria: ACMG Guidelines, 2015. Collection method: clinical testing. Allele origin: unknown.

Literature cited by the submitters: PubMed 7695699 (cited by Labcorp Genetics (formerly Invitae), Labcorp); PubMed 8218237 (cited by Labcorp Genetics (formerly Invitae), Labcorp); PubMed 19344236 (cited by Labcorp Genetics (formerly Invitae), Labcorp); PubMed 23720012 (cited by Labcorp Genetics (formerly Invitae), Labcorp); PubMed 27627812 (cited by Labcorp Genetics (formerly Invitae), Labcorp).